The following is an entry in ClinVar:

NM_206933.4(USH2A):c.5512T>G (p.Tyr1838Asp)

Genes: USH2A (usherin; minus strand), USH2A-AS2 (USH2A antisense RNA 2; plus strand). Cytogenetic location: 1q41.
Variant type: single nucleotide variant.
Coding change: c.5512T>G on transcript NM_206933.4 (MANE Select); coding-DNA position 5512, T replaced by G.
Protein change: p.Tyr1838Asp; replaces tyrosine 1838 with aspartic acid.
Molecular consequence: missense variant.
Genome position (GRCh38, 1-based): chr1:216,078,149, A>C on the plus strand (T>G on the coding strand, the complement: USH2A is on the minus strand). VCF-style: chr1-216078149-A-C. GRCh37 (hg19) VCF-style: chr1-216251491-A-C.
Other names: short protein forms Y1838D.
Identifiers: ClinVar variation 3633759 (VCV003633759.2).

ClinVar aggregate classification (germline): Uncertain significance (1 of 4 stars; one submission).

Submission:

Labcorp Genetics (formerly Invitae), Labcorp
Classification: Uncertain significance. Last evaluated: 2024-05-28. Review status: criteria provided, single submitter. Criteria: Invitae Variant Classification Sherloc (09022015). Collection method: clinical testing. Allele origin: germline.
Comment: This sequence change replaces tyrosine, which is neutral and polar, with aspartic acid, which is acidic and polar, at codon 1838 of the USH2A protein (p.Tyr1838Asp). This variant is not present in population databases (gnomAD no frequency). This variant has not been reported in the literature in individuals affected with USH2A-related conditions. Advanced modeling of protein sequence and biophysical properties (such as structural, functional, and spatial information, amino acid conservation, physicochemical variation, residue mobility, and thermodynamic stability) performed at Invitae indicates that this missense variant is expected to disrupt USH2A protein function with a positive predictive value of 95%. In summary, the available evidence is currently insufficient to determine the role of this variant in disease. Therefore, it has been classified as a Variant of Uncertain Significance.